The following is an entry in ClinVar:

NM_000179.3(MSH6):c.1569_1570del (p.Tyr524fs)

Gene: MSH6 (mutS homolog 6; plus strand). Cytogenetic location: 2p16.3.
Variant type: Deletion.
Coding change: c.1569_1570del on transcript NM_000179.3 (MANE Select); coding-DNA positions 1569 to 1570, 2 bases deleted (TT; older notation c.1569_1570delTT).
Protein change: p.Tyr524fs; shifts the reading frame from tyrosine 524.
Molecular consequence: frameshift variant.
Genome position (GRCh38, 1-based): chr2:47,799,552-47,799,553, TT deleted. VCF-style (leftmost placement, unchanged base first): chr2-47799551-CTT-C. GRCh37 (hg19) VCF-style: chr2-48026690-CTT-C.
Other names: c.1179_1180del, p.Tyr394fs (NM_001281492.2); c.663_664del, p.Tyr222fs (NM_001281493.2, NM_001281494.2); c.1569_1570delTT (NM_000179.2); short protein forms Y394fs, Y524fs, Y222fs.
Identifiers: ClinVar variation 525611 (VCV000525611.7), dbSNP rs1553412960, ClinGen allele CA658795753.

ClinVar aggregate classification (germline): Pathogenic (1 of 4 stars; one submission).

Conditions:
Hereditary nonpolyposis colorectal neoplasms. Identifiers: MedGen C0009405, MeSH D003123.

Submission:

Labcorp Genetics (formerly Invitae), Labcorp
Classification: Pathogenic for Hereditary nonpolyposis colorectal neoplasms. Last evaluated: 2017-12-27. Review status: criteria provided, single submitter. Criteria: Invitae Variant Classification Sherloc (09022015). Collection method: clinical testing. Allele origin: germline.
Comment: For these reasons, this variant has been classified as Pathogenic. Loss-of-function variants in MSH6 are known to be pathogenic (PMID: 18269114, 24362816). This variant has not been reported in the literature in individuals with MSH6-related disease. This variant is not present in population databases (ExAC no frequency). This sequence change creates a premature translational stop signal (p.Tyr524Glnfs*6) in the MSH6 gene. It is expected to result in an absent or disrupted protein product.

Literature cited by the submitters: PubMed 18269114; PubMed 24362816.